The following is an entry in ClinVar:

NM_001130438.3(SPTAN1):c.4437C>T (p.Ser1479=)

Gene: SPTAN1 (spectrin alpha, non-erythrocytic 1; plus strand). Cytogenetic location: 9q34.11.
Variant type: single nucleotide variant.
Coding change: c.4437C>T on transcript NM_001130438.3 (MANE Select); coding-DNA position 4437, C replaced by T.
Protein change: p.Ser1479=; no amino-acid change (serine 1479 retained).
Molecular consequence: synonymous variant.
Genome position (GRCh38, 1-based): chr9:128,608,222, C>T. VCF-style: chr9-128608222-C-T. GRCh37 (hg19) VCF-style: chr9-131370501-C-T.
Other names: c.4377C>T, p.Ser1459= (NM_001195532.2, NM_001363765.2); c.4437C>T, p.Ser1479= (NM_001363759.2, NM_003127.4).
Identifiers: ClinVar variation 385360 (VCV000385360.19), dbSNP rs373857333, ClinGen allele CA5265175.

ClinVar aggregate classification (germline): Likely benign. Review status: criteria provided, multiple submitters, no conflicts (2 of 4 stars). 4 submissions from 4 submitters: Likely benign (4). Last evaluated 2025-06-02.

Conditions:
Early-infantile DEE. Also called: Early infantile epileptic encephalopathy; Ohtahara syndrome; Early infantile epileptic encephalopathy with suppression bursts. Identifiers: Orphanet 1934, MedGen C0393706, MONDO:0800491.
Inborn genetic diseases. Identifiers: MedGen C0950123, MeSH D030342.

Allele frequency attached by ClinVar (database versions not stated): ExAC 0.00001; gnomAD exomes 0.00001; TOPMed 0.00004; gnomAD 0.00005 and 0.00006; ESP Exome Variant Server 0.00008.
gnomAD v4.1: 17 of 1,613,992 alleles (0.0011%); highest among the groups gnomAD compares: Middle Eastern, 0.016%; no homozygotes.

Submissions (4):

Labcorp Genetics (formerly Invitae), Labcorp
Classification: Likely benign for Early-infantile DEE. Last evaluated: 2025-06-02. Review status: criteria provided, single submitter. Criteria: Invitae Variant Classification Sherloc (09022015). Collection method: clinical testing. Allele origin: germline.

CeGaT Center for Human Genetics Tuebingen
Classification: Likely benign. Last evaluated: 2025-04-01. Review status: criteria provided, single submitter. Criteria: CeGaT Center For Human Genetics Tuebingen Variant Classification Criteria Version 2. Collection method: clinical testing. Allele origin: germline. Affected: yes. Observed: 1 variant allele.
Comment: SPTAN1: BP4, BP7

Ambry Genetics
Classification: Likely benign for Inborn genetic diseases. Last evaluated: 2017-06-14. Review status: criteria provided, single submitter. Criteria: Ambry Variant Classification Scheme 2023. Collection method: clinical testing. Allele origin: germline.

GeneDx
Classification: Likely benign. Last evaluated: 2016-04-06. Review status: criteria provided, single submitter. Criteria: GeneDx Variant Classification (06012015). Collection method: clinical testing. Allele origin: germline. Affected: yes.
Comment: This variant is considered likely benign or benign based on one or more of the following criteria: it is a conservative change, it occurs at a poorly conserved position in the protein, it is predicted to be benign by multiple in silico algorithms, and/or has population frequency not consistent with disease.